The following is an entry in ClinVar:

ClinVar aggregate classification (germline): Uncertain significance. Review status: criteria provided, single submitter (1 of 4 stars). 3 submissions from 2 submitters: Uncertain significance (2). 1 of the submissions does not count toward it.

Conditions:
Maturity-onset diabetes of the young (MODY). Also called: Maturity onset diabetes mellitus in young. Identifiers: Orphanet 552, MedGen C0342276, MONDO:0018911, HP:0004904.
Hereditary hyperinsulinism.
Transitory neonatal diabetes mellitus. Also called: Transient neonatal diabetes mellitus. Identifiers: MedGen C0342273, MONDO:0020525, HP:0008255.

Submissions (3):

Clinical Genomics, Uppaluri K&H Personalized Medicine Clinic
Classification: Uncertain significance for Transitory neonatal diabetes mellitus. Review status: criteria provided, single submitter. Criteria: K & H Uppaluri Personalized Medicine Clinic Variant Classification & Assertion Criteria_Updated V.1. Collection method: research. Allele origin: unknown.
Comment: Mutations in ABCC8 gene are associated with both neonatal diabetes mellitus as well as MODY. Patients with this mutation may have a better response to sulfonylureas. However, no sufficient evidence is found to ascertain the role of this particular variant ( rs1954760501) in neonatal diabetes yet.

Clinical Genomics, Uppaluri K&H Personalized Medicine Clinic
Classification: Uncertain significance for Maturity-onset diabetes of the young. Review status: criteria provided, single submitter. Criteria: K & H Uppaluri Personalized Medicine Clinic Variant Classification & Assertion Criteria_Updated V.1. Collection method: research. Allele origin: unknown. Inheritance: Somatic mutation.
Comment: Mutations in ABCC8 gene are associated with both neonatal diabetes mellitus as well as MODY. Patients with this mutation may have a better response to sulfonylureas. However, no sufficient evidence is found to ascertain the role of this particular variant ( rs1954760501) in MODY yet.

Natera, Inc.
Classification: Uncertain significance for Hereditary hyperinsulinism. Last evaluated: 2020-04-10. Review status: no assertion criteria provided. Collection method: clinical testing. Allele origin: germline. Not counted in ClinVar's aggregate classification.

Literature cited by the submitters: PubMed 16885549 (cited by Clinical Genomics, Uppaluri K&H Personalized Medicine Clinic); PubMed 21989597 (cited by Clinical Genomics, Uppaluri K&H Personalized Medicine Clinic); PubMed 27538677 (cited by Clinical Genomics, Uppaluri K&H Personalized Medicine Clinic); PubMed 18981553 (cited by Clinical Genomics, Uppaluri K&H Personalized Medicine Clinic); PubMed 32027066 (cited by Clinical Genomics, Uppaluri K&H Personalized Medicine Clinic); PubMed 16613899 (cited by Clinical Genomics, Uppaluri K&H Personalized Medicine Clinic); PubMed 18025408 (cited by Clinical Genomics, Uppaluri K&H Personalized Medicine Clinic); PubMed 32792356 (cited by Clinical Genomics, Uppaluri K&H Personalized Medicine Clinic).

NM_000352.6(ABCC8):c.2648T>G (p.Val883Gly)

Gene: ABCC8 (ATP binding cassette subfamily C member 8; minus strand). Cytogenetic location: 11p15.1.
Variant type: single nucleotide variant.
Coding change: c.2648T>G on transcript NM_000352.6 (MANE Select); coding-DNA position 2648, T replaced by G.
Protein change: p.Val883Gly; replaces valine 883 with glycine.
Molecular consequence: missense variant. On other transcripts: non-coding transcript variant (1).
Genome position (GRCh38, 1-based): chr11:17,410,562, A>C on the plus strand (T>G on the coding strand, the complement: ABCC8 is on the minus strand). VCF-style: chr11-17410562-A-C. GRCh37 (hg19) VCF-style: chr11-17432109-A-C.
Other names: c.2651T>G, p.Val884Gly (NM_001287174.3); c.2714T>G, p.Val905Gly (NM_001351295.2); c.2648T>G, p.Val883Gly (NM_001351296.2); c.2645T>G, p.Val882Gly (NM_001351297.2); short protein forms V882G, V883G, V884G, V905G.
Identifiers: ClinVar variation 990398 (VCV000990398.3), dbSNP rs1954760501, ClinGen allele CA379806184.
Genomic context (GRCh38, chr11:17,410,562, plus strand): 5'-TTGTTCCCCCTCACCCAGTCTGCATGGGGCAGGTACTGTAGCTTGTGGGTCACTAAGACC[A>C]CTGTCCTCTTGTCGTCCCGGAGCAGCTCAAGGATGCCGGCCTGCATTAAGTGGTCACTCA-3'
Protein context (NP_000343.2, residues 873-893): LELLRDDKRT[Val883Gly]VLVTHKLQYL